The following is an entry in ClinVar:

NM_194248.3(OTOF):c.5801T>G (p.Leu1934Arg)

Gene: OTOF (otoferlin; minus strand). Cytogenetic location: 2p23.3.
Variant type: single nucleotide variant.
Coding change: c.5801T>G on transcript NM_194248.3 (MANE Select); coding-DNA position 5801, T replaced by G.
Protein change: p.Leu1934Arg; replaces leucine 1934 with arginine.
Molecular consequence: missense variant.
Genome position (GRCh38, 1-based): chr2:26,460,659, A>C on the plus strand (T>G on the coding strand, the complement: OTOF is on the minus strand). VCF-style: chr2-26460659-A-C. GRCh37 (hg19) VCF-style: chr2-26683527-A-C.
Other names: c.5801T>G, p.Leu1934Arg (NM_001287489.2); c.3500T>G, p.Leu1167Arg (NM_004802.4, NM_194323.3); c.3731T>G, p.Leu1244Arg (NM_194322.3); short protein forms L1167R, L1244R, L1934R.
Identifiers: ClinVar variation 4879907 (VCV004879907.1).
Genomic context (GRCh38, chr2:26,460,659, plus strand): 5'-GCCTCCAAGAGCCAGAGTGGGGAGGGGCTGGGCCGGCAGGGCACTCACTTGGGTTTCTCT[A>C]GGGGGTCAGGTTCATTGCGGGCCAGGCCCACTGGGTTCTTCTCTGCCTCCTCTGCTGTCA-3'
Protein context (NP_919224.1, residues 1924-1944): VGLARNEPDP[Leu1934Arg]EKPNRPDTSF

ClinVar aggregate classification (germline): Likely pathogenic (0 of 4 stars; one submission).

Conditions:
Autosomal recessive nonsyndromic hearing loss 9. Also called: NEUROSENSORY NONSYNDROMIC RECESSIVE DEAFNESS 9; OTOF-Related Hearing Loss; Deafness, autosomal recessive 9; AUDITORY NEUROPATHY, AUTOSOMAL RECESSIVE, 1, TEMPERATURE-SENSITIVE. Identifiers: Orphanet 90636, MedGen C1832828, MONDO:0010986, OMIM 601071.

Submission:

Diagnosis and Treatment Center of Genetic Hearing Loss, Eye & ENT Hospital of Fudan University
Classification: Likely pathogenic for Autosomal recessive nonsyndromic hearing loss 9. Last evaluated: 2026-02-04. Review status: no assertion criteria provided. Collection method: clinical testing. Allele origin: germline. Inheritance: Autosomal recessive inheritance. Affected: yes.
Comment: The c.5801T>G missense variant in OTOF is absent from population databases (PM2_Supporting). It was identified in trans with pathogenic c.5000C>A (PM3). The REVEL score is 0.841 (PP3_Moderate). The phenotype is consistent with auditory neuropathy (PP4).